The following is an entry in ClinVar:

ClinVar aggregate classification (germline): Uncertain significance (1 of 4 stars; one submission).

Submission:

GeneDx
Classification: Uncertain significance. Last evaluated: 2025-03-10. Review status: criteria provided, single submitter. Criteria: GeneDx Variant Classification Process June 2021. Collection method: clinical testing. Allele origin: germline. Affected: yes.
Comment: Not observed at significant frequency in large population cohorts (gnomAD); In-frame deletion of 1 amino acid in a non-repeat region; In silico analysis supports a deleterious effect on protein structure/function; Has not been previously published as pathogenic or benign to our knowledge

NM_015001.3(SPEN):c.907GAT[1] (p.Asp304del)

Gene: SPEN (spen family transcriptional repressor; plus strand). Cytogenetic location: 1p36.13.
Variant type: Microsatellite.
Coding change: c.907GAT[1] on transcript NM_015001.3 (MANE Select); one copy of the 3-base unit GAT starting at c.907; the reference has two copies in a row; one copy, 3 bases deleted.
Protein change: p.Asp304del; deletes aspartic acid 304.
Genome position (GRCh38, 1-based): chr1:15,909,349-15,909,351, GAT deleted; deleting any 3 consecutive bases within chr1:15,909,345-15,909,351 gives the same sequence; the position shown is the placement nearest the transcript's 3' end. VCF-style (leftmost placement, unchanged base first): chr1-15909344-GTGA-G. GRCh37 (hg19) VCF-style: chr1-16235839-GTGA-G.
Other names: short protein forms D304del.
Identifiers: ClinVar variation 4083270 (VCV004083270.1).